The following is an entry in ClinVar:

NM_005502.4(ABCA1):c.6138T>A (p.Ser2046Arg)

Genes: ABCA1 (ATP binding cassette subfamily A member 1; minus strand), NIPSNAP3B (nipsnap homolog 3B; plus strand). Cytogenetic location: 9q31.1.
Variant type: single nucleotide variant.
Coding change: c.6138T>A on transcript NM_005502.4 (MANE Select); coding-DNA position 6138, T replaced by A.
Protein change: p.Ser2046Arg; replaces serine 2046 with arginine.
Molecular consequence: missense variant.
Genome position (GRCh38, 1-based): chr9:104,787,986, A>T on the plus strand (T>A on the coding strand, the complement: ABCA1 is on the minus strand). VCF-style: chr9-104787986-A-T. GRCh37 (hg19) VCF-style: chr9-107550267-A-T.
Other names: short protein forms S2046R.
Identifiers: ClinVar variation 2780158 (VCV002780158.3), dbSNP rs2538036357, ClinGen allele CA374306722.
Genomic context (GRCh38, chr9:104,787,986, plus strand): 5'-CACCACAGGAGGCCCGCCGATCAAAGCCATGGCTGTAGAGAGCTTGCGTTTGTTGCCTCC[A>T]CTATAGTTACCAGCATATTTTTCTCCATACTTCACGAGGCCCAGTTTCCGAATCGCCCAC-3'
Protein context (NP_005493.2, residues 2036-2056): KYGEKYAGNY[Ser2046Arg]GGNKRKLSTA

ClinVar aggregate classification (germline): Uncertain significance (1 of 4 stars; one submission).

gnomAD v4.1: 1 of 1,614,196 alleles (0.000062%); highest among the groups gnomAD compares: Non-Finnish European, 0.000085%; no homozygotes.

Submission:

Labcorp Genetics (formerly Invitae), Labcorp
Classification: Uncertain significance. Last evaluated: 2023-01-14. Review status: criteria provided, single submitter. Criteria: Invitae Variant Classification Sherloc (09022015). Collection method: clinical testing. Allele origin: germline.
Comment: In summary, the available evidence is currently insufficient to determine the role of this variant in disease. Therefore, it has been classified as a Variant of Uncertain Significance. This variant disrupts the p.Ser2046 amino acid residue in ABCA1. Other variant(s) that disrupt this residue have been observed in individuals with ABCA1-related conditions (PMID: 25875382), which suggests that this may be a clinically significant amino acid residue. Advanced modeling of protein sequence and biophysical properties (such as structural, functional, and spatial information, amino acid conservation, physicochemical variation, residue mobility, and thermodynamic stability) performed at Invitae indicates that this missense variant is expected to disrupt ABCA1 protein function. This sequence change replaces serine, which is neutral and polar, with arginine, which is basic and polar, at codon 2046 of the ABCA1 protein (p.Ser2046Arg). This missense change has been observed in individual(s) with Tangier disease (PMID: 28330813). This variant is not present in population databases (gnomAD no frequency).

Literature cited by the submitters: PubMed 25875382; PubMed 28330813.